The following is an entry in ClinVar:

ClinVar aggregate classification (germline): Uncertain significance (1 of 4 stars; one submission).

Allele frequency attached by ClinVar (database versions not stated): gnomAD exomes below 0.00001; TOPMed below 0.00001; gnomAD 0.00001.
gnomAD v4.1: 2 of 1,614,034 alleles (0.00012%); highest among the groups gnomAD compares: African/African-American, 0.0027%; no homozygotes.

Submission:

Labcorp Genetics (formerly Invitae), Labcorp
Classification: Uncertain significance. Last evaluated: 2022-02-28. Review status: criteria provided, single submitter. Criteria: Invitae Variant Classification Sherloc (09022015). Collection method: clinical testing. Allele origin: germline.
Comment: This variant is present in population databases (no rsID available, gnomAD 0.007%). This sequence change replaces proline, which is neutral and non-polar, with leucine, which is neutral and non-polar, at codon 233 of the GTPBP3 protein (p.Pro233Leu). In summary, the available evidence is currently insufficient to determine the role of this variant in disease. Therefore, it has been classified as a Variant of Uncertain Significance. Algorithms developed to predict the effect of missense changes on protein structure and function are either unavailable or do not agree on the potential impact of this missense change (SIFT: "Deleterious"; PolyPhen-2: "Benign"; Align-GVGD: "Class C0"). This variant has not been reported in the literature in individuals affected with GTPBP3-related conditions.

NM_032620.4(GTPBP3):c.664+34C>T

Gene: GTPBP3 (GTP binding protein 3, mitochondrial; plus strand). Cytogenetic location: 19p13.11.
Variant type: single nucleotide variant.
Coding change: c.664+34C>T on transcript NM_032620.4 (MANE Select); 34 bases into the intron after coding-DNA position 664, C replaced by T.
Molecular consequence: intron variant. On other transcripts: missense variant (1).
Genome position (GRCh38, 1-based): chr19:17,339,060, C>T. VCF-style: chr19-17339060-C-T. GRCh37 (hg19) VCF-style: chr19-17449869-C-T.
Other names: c.698C>T, p.Pro233Leu (NM_133644.4); c.730+34C>T (NM_001195422.1); c.664+34C>T (NM_001128855.3); short protein forms P233L.
Identifiers: ClinVar variation 2075810 (VCV002075810.4), dbSNP rs1193149823, ClinGen allele CA404735749.